The following is an entry in ClinVar:

NM_021096.4(CACNA1I):c.5264C>A (p.Ala1755Asp)

Gene: CACNA1I (calcium voltage-gated channel subunit alpha1 I; plus strand). Cytogenetic location: 22q13.1.
Variant type: single nucleotide variant.
Coding change: c.5264C>A on transcript NM_021096.4 (MANE Select); coding-DNA position 5264, C replaced by A.
Protein change: p.Ala1755Asp; replaces alanine 1755 with aspartic acid.
Molecular consequence: missense variant.
Genome position (GRCh38, 1-based): chr22:39,679,315, C>A. VCF-style: chr22-39679315-C-A. GRCh37 (hg19) VCF-style: chr22-40075320-C-A.
Other names: c.5159C>A, p.Ala1720Asp (NM_001003406.2); short protein forms A1720D, A1755D.
Identifiers: ClinVar variation 3365431 (VCV003365431.1).

ClinVar aggregate classification (germline): Uncertain significance (1 of 4 stars; one submission).

Submission:

GeneDx
Classification: Uncertain significance. Last evaluated: 2023-12-07. Review status: criteria provided, single submitter. Criteria: GeneDx Variant Classification Process June 2021. Collection method: clinical testing. Allele origin: germline. Affected: yes.
Comment: Has not been previously published as pathogenic or benign to our knowledge; Not observed at significant frequency in large population cohorts (gnomAD); In silico analysis supports that this missense variant has a deleterious effect on protein structure/function